The following is an entry in ClinVar:

ClinVar aggregate classification (germline): Uncertain significance (1 of 4 stars; one submission).

Conditions:
Inborn genetic diseases. Identifiers: MedGen C0950123, MeSH D030342.

Submission:

Ambry Genetics
Classification: Uncertain significance for Inborn genetic diseases. Last evaluated: 2025-01-03. Review status: criteria provided, single submitter. Criteria: Ambry Variant Classification Scheme 2023. Collection method: clinical testing. Allele origin: germline.
Comment: The p.Q125H variant (also known as c.375G>C), located in coding exon 3 of the USB1 gene, results from a G to C substitution at nucleotide position 375. The glutamine at codon 125 is replaced by histidine, an amino acid with highly similar properties. This amino acid position is conserved. In addition, this alteration is predicted to be tolerated by in silico analysis. Based on the available evidence, the clinical significance of this variant remains unclear.

NM_024598.4(USB1):c.375G>C (p.Gln125His)

Gene: USB1 (U6 snRNA biogenesis phosphodiesterase 1; plus strand). Cytogenetic location: 16q21.
Variant type: single nucleotide variant.
Coding change: c.375G>C on transcript NM_024598.4 (MANE Select); coding-DNA position 375, G replaced by C.
Protein change: p.Gln125His; replaces glutamine 125 with histidine.
Molecular consequence: missense variant.
Genome position (GRCh38, 1-based): chr16:58,010,038, G>C. VCF-style: chr16-58010038-G-C. GRCh37 (hg19) VCF-style: chr16-58043942-G-C.
Other names: c.375G>C, p.Gln125His (NM_001195302.2, NM_001204911.2, NM_001330569.2); c.222G>C, p.Gln74His (NM_001330568.2); short protein forms Q125H, Q74H.
Identifiers: ClinVar variation 3813871 (VCV003813871.1).